The following is an entry in ClinVar:

ClinVar aggregate classification (germline): Pathogenic (1 of 4 stars; one submission).

Conditions:
Galactosylceramide beta-galactosidase deficiency. Also called: GALACTOCEREBROSIDASE DEFICIENCY; GALC DEFICIENCY; GLOBOID CELL LEUKOENCEPHALOPATHY; Leukodystrophy, Globoid Cell; Krabbe Disease. Identifiers: Orphanet 487, MedGen C0023521, MONDO:0009499, OMIM 245200.

Submission:

Labcorp Genetics (formerly Invitae), Labcorp
Classification: Pathogenic for Galactosylceramide beta-galactosidase deficiency. Last evaluated: 2023-09-29. Review status: criteria provided, single submitter. Criteria: Invitae Variant Classification Sherloc (09022015). Collection method: clinical testing. Allele origin: germline.
Comment: This sequence change creates a premature translational stop signal (p.Thr433Ilefs*8) in the GALC gene. It is expected to result in an absent or disrupted protein product. Loss-of-function variants in GALC are known to be pathogenic (PMID: 7437911, 9272171, 16607461). This variant is not present in population databases (gnomAD no frequency). This variant has not been reported in the literature in individuals affected with GALC-related conditions. For these reasons, this variant has been classified as Pathogenic.

Literature cited by the submitters: PubMed 7437911; PubMed 9272171; PubMed 16607461.

NM_000153.4(GALC):c.1297_1298insT (p.Thr433fs)

Gene: GALC (galactosylceramidase; minus strand). Cytogenetic location: 14q31.3.
Variant type: Insertion.
Coding change: c.1297_1298insT on transcript NM_000153.4 (MANE Select); coding-DNA positions 1297 to 1298, T inserted.
Protein change: p.Thr433fs; shifts the reading frame from threonine 433.
Molecular consequence: frameshift variant. On other transcripts: non-coding transcript variant (1).
Genome position: GRCh38 VCF-style: chr14-87949885-G-GA. GRCh37 (hg19) VCF-style: chr14-88416229-G-GA.
Other names: c.1228_1229insT, p.Thr410fs (NM_001201401.2); c.1219_1220insT, p.Thr407fs (NM_001201402.2); c.1129_1130insT, p.Thr377fs (NM_001424071.1, NM_001424072.1, NM_001424073.1); c.949_950insT, p.Thr317fs (NM_001424074.1, NM_001424075.1); c.664_665insT, p.Thr222fs (NM_001424076.1, NM_001424077.1); short protein forms T317fs, T377fs, T222fs, T407fs, T410fs, T433fs.
Identifiers: ClinVar variation 2764167 (VCV002764167.3), dbSNP rs2503371903, ClinGen allele CA2697554076.